The following is an entry in ClinVar:

NM_001177693.2(ARHGEF28):c.1352C>T (p.Ser451Leu)

Gene: ARHGEF28 (Rho guanine nucleotide exchange factor 28; plus strand). Cytogenetic location: 5q13.2.
Variant type: single nucleotide variant.
Coding change: c.1352C>T on transcript NM_001177693.2 (MANE Select); coding-DNA position 1352, C replaced by T.
Protein change: p.Ser451Leu; replaces serine 451 with leucine.
Molecular consequence: missense variant.
Genome position (GRCh38, 1-based): chr5:73,840,685, C>T. VCF-style: chr5-73840685-C-T. GRCh37 (hg19) VCF-style: chr5-73136510-C-T.
Other names: c.1352C>T, p.Ser451Leu (NM_001080479.3, NM_001388078.1); c.413C>T, p.Ser138Leu (NM_001244364.2); c.1058C>T, p.Ser353Leu (NM_001388076.1); short protein forms S138L, S353L, S451L.
Identifiers: ClinVar variation 2634511 (VCV002634511.1), dbSNP rs373253212, ClinGen allele CA3304515.

ClinVar aggregate classification (germline): Uncertain significance (1 of 4 stars; one submission).

Conditions:
ARHGEF28-related disorder. Also called: ARHGEF28-related condition.

Allele frequency attached by ClinVar (database versions not stated): gnomAD exomes 0.00003; TOPMed 0.00003; gnomAD 0.00005; ExAC 0.00009; ESP Exome Variant Server 0.00041.
gnomAD v4.1: 60 of 1,612,946 alleles (0.0037%); highest among the groups gnomAD compares: Middle Eastern, 0.016%; no homozygotes.

Submission:

PreventionGenetics, part of Exact Sciences
Classification: Uncertain significance for ARHGEF28-related condition. Last evaluated: 2022-10-27. Review status: criteria provided, single submitter. Criteria: ACMG Guidelines, 2015. Collection method: clinical testing. Allele origin: germline.
Comment: The ARHGEF28 c.1352C>T variant is predicted to result in the amino acid substitution p.Ser451Leu. To our knowledge, this variant has not been reported in the literature. This variant is reported in 0.0083% of alleles in individuals of African descent in gnomAD. At this time, the clinical significance of this variant is uncertain due to the absence of conclusive functional and genetic evidence.